The following is an entry in ClinVar:

ClinVar aggregate classification (germline): Uncertain significance (1 of 4 stars; one submission).

Conditions:
Tatton-Brown-Rahman overgrowth syndrome. Also called: Tall stature-intellectual disability-facial dysmorphism syndrome; Tatton-Brown-Rahman syndrome. Identifiers: Orphanet 404443, MedGen C4014545, MONDO:0014382, OMIM 615879.

Allele frequency attached by ClinVar (database versions not stated): gnomAD exomes 0.00001.

Submission:

Labcorp Genetics (formerly Invitae), Labcorp
Classification: Uncertain significance for Tatton-Brown-Rahman overgrowth syndrome. Last evaluated: 2024-01-22. Review status: criteria provided, single submitter. Criteria: Invitae Variant Classification Sherloc (09022015). Collection method: clinical testing. Allele origin: germline.
Comment: This sequence change replaces serine, which is neutral and polar, with asparagine, which is neutral and polar, at codon 62 of the DNMT3A protein (p.Ser62Asn). This variant is not present in population databases (gnomAD no frequency). This variant has not been reported in the literature in individuals affected with DNMT3A-related conditions. ClinVar contains an entry for this variant (Variation ID: 1902393). Algorithms developed to predict the effect of missense changes on protein structure and function output the following: SIFT: "Not Available"; PolyPhen-2: "Benign"; Align-GVGD: "Not Available". The asparagine amino acid residue is found in multiple mammalian species, which suggests that this missense change does not adversely affect protein function. In summary, the available evidence is currently insufficient to determine the role of this variant in disease. Therefore, it has been classified as a Variant of Uncertain Significance.

NM_022552.5(DNMT3A):c.185G>A (p.Ser62Asn)

Gene: DNMT3A (DNA methyltransferase 3 alpha; minus strand). Cytogenetic location: 2p23.3.
Variant type: single nucleotide variant.
Coding change: c.185G>A on transcript NM_022552.5 (MANE Select); coding-DNA position 185, G replaced by A.
Protein change: p.Ser62Asn; replaces serine 62 with asparagine.
Molecular consequence: missense variant. On other transcripts: non-coding transcript variant (1).
Genome position (GRCh38, 1-based): chr2:25,282,704, C>T on the plus strand (G>A on the coding strand, the complement: DNMT3A is on the minus strand). VCF-style: chr2-25282704-C-T. GRCh37 (hg19) VCF-style: chr2-25505573-C-T.
Other names: c.185G>A, p.Ser62Asn (NM_001320892.2, NM_175629.2, NM_175630.1); short protein forms S62N.
Identifiers: ClinVar variation 1902393 (VCV001902393.5), dbSNP rs2465823184, ClinGen allele CA346084195.